The following is an entry in ClinVar:

NM_182914.3(SYNE2):c.424C>G (p.Gln142Glu)

Gene: SYNE2 (spectrin repeat containing nuclear envelope protein 2; plus strand). Cytogenetic location: 14q23.2.
Variant type: single nucleotide variant.
Coding change: c.424C>G on transcript NM_182914.3 (MANE Select); coding-DNA position 424, C replaced by G.
Protein change: p.Gln142Glu; replaces glutamine 142 with glutamic acid.
Molecular consequence: missense variant.
Genome position (GRCh38, 1-based): chr14:63,949,840, C>G. VCF-style: chr14-63949840-C-G. GRCh37 (hg19) VCF-style: chr14-64416558-C-G.
Other names: c.424C>G, p.Gln142Glu (NM_015180.6); short protein forms Q142E.
Identifiers: ClinVar variation 861616 (VCV000861616.9), dbSNP rs2096122537, ClinGen allele CA389938858.

ClinVar aggregate classification (germline): Uncertain significance (1 of 4 stars; one submission).

Conditions:
Emery-Dreifuss muscular dystrophy 5, autosomal dominant (EDMD5). Also called: EMERY-DREIFUSS MUSCULAR DYSTROPHY 5. Identifiers: Orphanet 261, MedGen C2751805, MONDO:0013072, OMIM 612999.

Submission:

Labcorp Genetics (formerly Invitae), Labcorp
Classification: Uncertain significance for Emery-Dreifuss muscular dystrophy 5, autosomal dominant. Last evaluated: 2022-06-04. Review status: criteria provided, single submitter. Criteria: Invitae Variant Classification Sherloc (09022015). Collection method: clinical testing. Allele origin: germline.
Comment: In summary, the available evidence is currently insufficient to determine the role of this variant in disease. Therefore, it has been classified as a Variant of Uncertain Significance. This sequence change replaces glutamine, which is neutral and polar, with glutamic acid, which is acidic and polar, at codon 142 of the SYNE2 protein (p.Gln142Glu). This variant is not present in population databases (gnomAD no frequency). This variant has not been reported in the literature in individuals affected with SYNE2-related conditions. ClinVar contains an entry for this variant (Variation ID: 861616). Algorithms developed to predict the effect of missense changes on protein structure and function (SIFT, PolyPhen-2, Align-GVGD) all suggest that this variant is likely to be tolerated.